The following is an entry in ClinVar:

ClinVar aggregate classification (germline): Benign/Likely benign. Review status: criteria provided, multiple submitters, no conflicts (2 of 4 stars). 6 submissions from 6 submitters: Benign (4); Likely benign (2). Last evaluated 2025-12-01.

Conditions:
Arthrogryposis multiplex congenita 6. Identifiers: MedGen C5543431, MONDO:0030281, OMIM 619334.
Nemaline myopathy 2 (NEM2). Also called: Nemaline myopathy 2, autosomal recessive. Identifiers: MedGen C1850569, MONDO:0009725, OMIM 256030.

Allele frequency attached by ClinVar (database versions not stated): gnomAD 0.00178 and 0.00235; TOPMed 0.00456; ExAC 0.00589; 1000 Genomes Project 30x 0.01015; 1000 Genomes Project 0.01158.
gnomAD v4.1: 2,779 of 1,612,274 alleles (0.17%); highest among the groups gnomAD compares: East Asian, 3.3%; 42 homozygotes.

Submissions (6):

CeGaT Center for Human Genetics Tuebingen
Classification: Benign. Last evaluated: 2025-12-01. Review status: criteria provided, single submitter. Criteria: CeGaT Center For Human Genetics Tuebingen Variant Classification Criteria Version 2. Collection method: clinical testing. Allele origin: germline. Affected: yes. Observed: 1 variant allele.
Comment: NEB: BS1, BS2

Blueprint Genetics
Classification: Likely benign. Last evaluated: 2024-11-25. Review status: criteria provided, single submitter. Criteria: ACMG Guidelines, 2015. Collection method: clinical testing. Allele origin: germline.

Fulgent Genetics
Classification: Likely benign for Nemaline myopathy 2; Arthrogryposis multiplex congenita 6. Last evaluated: 2022-04-06. Review status: criteria provided, single submitter. Criteria: ACMG Guidelines, 2015. Collection method: clinical testing. Allele origin: unknown.

Labcorp Genetics (formerly Invitae), Labcorp
Classification: Benign for Nemaline myopathy 2. Last evaluated: 2019-12-31. Review status: criteria provided, single submitter. Criteria: Invitae Variant Classification Sherloc (09022015). Collection method: clinical testing. Allele origin: germline.

Illumina Laboratory Services, Illumina
Classification: Benign for Nemaline myopathy 2. Last evaluated: 2018-01-12. Review status: criteria provided, single submitter. Criteria: ICSL Variant Classification Criteria 13 December 2019. Collection method: clinical testing. Allele origin: germline.
Comment: This variant was observed in the ICSL laboratory as part of a predisposition screen in an ostensibly healthy population. It had not been previously curated by ICSL or reported in the Human Gene Mutation Database (HGMD: prior to June 1st, 2018), and was therefore a candidate for classification through an automated scoring system. Utilizing variant allele frequency, disease prevalence and penetrance estimates, and inheritance mode, an automated score was calculated to assess if this variant is too frequent to cause the disease. Based on the score and internal cut-off values, a variant classified as benign is not then subjected to further curation. The score for this variant resulted in a classification of benign for this disease.

Eurofins Ntd Llc (ga)
Classification: Benign. Last evaluated: 2015-10-13. Review status: criteria provided, single submitter. Criteria: EGL Classification Definitions 2015. Collection method: clinical testing. Allele origin: germline. Observed: 2 variant alleles, 1 heterozygote.

NM_001164508.2(NEB):c.19286C>A (p.Ala6429Asp)

Gene: NEB (nebulin; minus strand). Cytogenetic location: 2q23.3.
Variant type: single nucleotide variant.
Coding change: c.19286C>A on transcript NM_001164508.2 (MANE Select); coding-DNA position 19286, C replaced by A.
Protein change: p.Ala6429Asp; replaces alanine 6429 with aspartic acid.
Molecular consequence: missense variant.
Genome position (GRCh38, 1-based): chr2:151,560,620, G>T on the plus strand (C>A on the coding strand, the complement: NEB is on the minus strand). VCF-style: chr2-151560620-G-T. GRCh37 (hg19) VCF-style: chr2-152417134-G-T.
Other names: c.19286C>A, p.Ala6429Asp (NM_001164507.2, NM_001271208.2); c.14183C>A, p.Ala4728Asp (NM_004543.5); short protein forms A4728D, A6429D.
Identifiers: ClinVar variation 281124 (VCV000281124.20), dbSNP rs139636644, ClinGen allele CA1907703.